The following is an entry in ClinVar:

ClinVar aggregate classification (germline): Uncertain significance. Review status: criteria provided, multiple submitters, no conflicts (2 of 4 stars). 2 submissions from 2 submitters: Uncertain significance (2). Last evaluated 2025-08-31.

Conditions:
Inborn genetic diseases. Identifiers: MedGen C0950123, MeSH D030342.

gnomAD v4.1: 8 of 1,613,922 alleles (0.0005%); highest among the groups gnomAD compares: African/African-American, 0.008%; no homozygotes.

Submissions (2):

Labcorp Genetics (formerly Invitae), Labcorp
Classification: Uncertain significance. Last evaluated: 2025-08-31. Review status: criteria provided, single submitter. Criteria: Invitae Variant Classification Sherloc (09022015). Collection method: clinical testing. Allele origin: germline.
Comment: This sequence change replaces alanine, which is neutral and non-polar, with aspartic acid, which is acidic and polar, at codon 214 of the COL17A1 protein (p.Ala214Asp). This variant is not present in population databases (gnomAD no frequency). This variant has not been reported in the literature in individuals affected with COL17A1-related conditions. ClinVar contains an entry for this variant (Variation ID: 3147312). Invitae Evidence Modeling of protein sequence and biophysical properties (such as structural, functional, and spatial information, amino acid conservation, physicochemical variation, residue mobility, and thermodynamic stability) indicates that this missense variant is not expected to disrupt COL17A1 protein function with a negative predictive value of 80%. In summary, the available evidence is currently insufficient to determine the role of this variant in disease. Therefore, it has been classified as a Variant of Uncertain Significance.

Ambry Genetics
Classification: Uncertain significance for Inborn genetic diseases. Last evaluated: 2023-12-18. Review status: criteria provided, single submitter. Criteria: Ambry Variant Classification Scheme 2023. Collection method: clinical testing. Allele origin: germline.

NM_000494.4(COL17A1):c.641C>A (p.Ala214Asp)

Gene: COL17A1 (collagen type XVII alpha 1 chain; minus strand). Cytogenetic location: 10q25.1.
Variant type: single nucleotide variant.
Coding change: c.641C>A on transcript NM_000494.4 (MANE Select); coding-DNA position 641, C replaced by A.
Protein change: p.Ala214Asp; replaces alanine 214 with aspartic acid.
Molecular consequence: missense variant.
Genome position (GRCh38, 1-based): chr10:104,064,563, G>T on the plus strand (C>A on the coding strand, the complement: COL17A1 is on the minus strand). VCF-style: chr10-104064563-G-T. GRCh37 (hg19) VCF-style: chr10-105824321-G-T.
Other names: short protein forms A214D.
Identifiers: ClinVar variation 3147312 (VCV003147312.2), dbSNP rs1242786896, ClinGen allele CA378077586.
Genomic context (GRCh38, chr10:104,064,563, plus strand): 5'-TAGGTCCCCATGGAGGACCCCGCGGGCAGGGTGGAGGACCACACATGGGAGGGAAGGTTG[G>T]CATCCAGGATCGTTGCATCGTAGGTGCCTGACACTGGAAACAGACACATGCACACACCCC-3'
Protein context (NP_000485.3, residues 204-224): SGTYDATILD[Ala214Asp]NLPSHVWSST